The following is an entry in ClinVar:

ClinVar aggregate classification (germline): Uncertain significance (1 of 4 stars; one submission).

Conditions:
Hereditary diffuse gastric adenocarcinoma (HDGC). Also called: DIFFUSE GASTRIC AND LOBULAR BREAST CANCER SYNDROME. Identifiers: Orphanet 26106, MedGen C1708349, MONDO:0007648, OMIM 137215.

Submission:

Labcorp Genetics (formerly Invitae), Labcorp
Classification: Uncertain significance for Hereditary diffuse gastric adenocarcinoma. Last evaluated: 2025-12-09. Review status: criteria provided, single submitter. Criteria: Invitae Variant Classification Sherloc (09022015). Collection method: clinical testing. Allele origin: germline.
Comment: This sequence change replaces glutamic acid, which is acidic and polar, with valine, which is neutral and non-polar, at codon 682 of the CDH1 protein (p.Glu682Val). This variant is not present in population databases (gnomAD no frequency). This variant has not been reported in the literature in individuals affected with CDH1-related conditions. An algorithm developed to predict the effect of missense changes on protein structure and function (PolyPhen-2) suggests that this variant is likely to be tolerated. In summary, the available evidence is currently insufficient to determine the role of this variant in disease. Therefore, it has been classified as a Variant of Uncertain Significance.

NM_004360.5(CDH1):c.2045A>T (p.Glu682Val)

Gene: CDH1 (cadherin 1; plus strand). Cytogenetic location: 16q22.1.
Variant type: single nucleotide variant.
Coding change: c.2045A>T on transcript NM_004360.5 (MANE Select); coding-DNA position 2045, A replaced by T.
Protein change: p.Glu682Val; replaces glutamic acid 682 with valine.
Molecular consequence: missense variant.
Genome position (GRCh38, 1-based): chr16:68,823,507, A>T. VCF-style: chr16-68823507-A-T. GRCh37 (hg19) VCF-style: chr16-68857410-A-T.
Other names: c.1862A>T, p.Glu621Val (NM_001317184.2); c.497A>T, p.Glu166Val (NM_001317185.2); c.80A>T, p.Glu27Val (NM_001317186.2); short protein forms E166V, E27V, E621V, E682V.
Identifiers: ClinVar variation 4809532 (VCV004809532.1).